The following is an entry in ClinVar:

NM_004714.3(DYRK1B):c.550A>G (p.Asn184Asp)

Gene: DYRK1B (dual specificity tyrosine phosphorylation regulated kinase 1B; minus strand). Cytogenetic location: 19q13.2.
Variant type: single nucleotide variant.
Coding change: c.550A>G on transcript NM_004714.3 (MANE Select); coding-DNA position 550, A replaced by G.
Protein change: p.Asn184Asp; replaces asparagine 184 with aspartic acid.
Molecular consequence: missense variant.
Genome position (GRCh38, 1-based): chr19:39,828,554, T>C on the plus strand (A>G on the coding strand, the complement: DYRK1B is on the minus strand). VCF-style: chr19-39828554-T-C. GRCh37 (hg19) VCF-style: chr19-40319194-T-C.
Other names: c.550A>G, p.Asn184Asp (NM_006483.3, NM_006484.3); short protein forms N184D.
Identifiers: ClinVar variation 4883628 (VCV004883628.2).

ClinVar aggregate classification (germline): Uncertain significance (1 of 4 stars; one submission).

Conditions:
Abdominal obesity-metabolic syndrome 3 (AOMS3). Also called: CENTRAL OBESITY, TYPE 2 DIABETES, HYPERTENSION, AND EARLY-ONSET CORONARY ARTERY DISEASE. Identifiers: MedGen C4014361, MONDO:0014352, OMIM 615812.

Submission:

Dasa
Classification: Uncertain significance for Abdominal obesity-metabolic syndrome 3. Last evaluated: 2025-11-14. Review status: criteria provided, single submitter. Criteria: DASA Assertion Criteria. Collection method: clinical testing. Allele origin: germline.
Comment: NM_004714.3(DYRK1B):c.550A>G (p.Asn184Asp) is a missense variant that results in the substitution of asparagine with aspartic acid. This variant is rare in population databases. The currently available literature and clinical evidence are not sufficient to establish a definitive association between this variant and the reported condition. Therefore, this variant is classified as a variant of uncertain significance.